The following is an entry in ClinVar:

ClinVar aggregate classification (germline): Uncertain significance (1 of 4 stars; one submission).

Allele frequency attached by ClinVar (database versions not stated): TOPMed 0.00001; gnomAD 0.00002; ExAC 0.00003.

Submission:

Labcorp Genetics (formerly Invitae), Labcorp
Classification: Uncertain significance. Last evaluated: 2025-12-06. Review status: criteria provided, single submitter. Criteria: Invitae Variant Classification Sherloc (09022015). Collection method: clinical testing. Allele origin: germline.
Comment: This sequence change replaces glutamine, which is neutral and polar, with arginine, which is basic and polar, at codon 599 of the TET2 protein (p.Gln599Arg). This variant is present in population databases (rs762155825, gnomAD 0.04%). This variant has not been reported in the literature in individuals affected with TET2-related conditions. ClinVar contains an entry for this variant (Variation ID: 2152713). An algorithm developed to predict the effect of missense changes on protein structure and function (PolyPhen-2) suggests that this variant is likely to be tolerated. In summary, the available evidence is currently insufficient to determine the role of this variant in disease. Therefore, it has been classified as a Variant of Uncertain Significance.

NM_001127208.3(TET2):c.1796A>G (p.Gln599Arg)

Genes: TET2 (tet methylcytosine dioxygenase 2; plus strand), TET2-AS1 (TET2 antisense RNA 1; minus strand). Cytogenetic location: 4q24.
Variant type: single nucleotide variant.
Coding change: c.1796A>G on transcript NM_001127208.3 (MANE Select); coding-DNA position 1796, A replaced by G.
Protein change: p.Gln599Arg; replaces glutamine 599 with arginine.
Molecular consequence: missense variant.
Genome position (GRCh38, 1-based): chr4:105,235,738, A>G. VCF-style: chr4-105235738-A-G. GRCh37 (hg19) VCF-style: chr4-106156895-A-G.
Other names: c.1796A>G, p.Gln599Arg (NM_017628.4); short protein forms Q599R.
Identifiers: ClinVar variation 2152713 (VCV002152713.4), dbSNP rs762155825, ClinGen allele CA3031757.